The following is an entry in ClinVar:

ClinVar aggregate classification (germline): Uncertain significance (1 of 4 stars; one submission).

Conditions:
Regional enteritis. Also called: Enteritis, Granulomatous. Identifiers: MedGen C0678202, MeSH D003424.
Blau syndrome (BLAUS). Also called: GRANULOMATOSIS, FAMILIAL JUVENILE SYSTEMIC; GRANULOMATOSIS, FAMILIAL, BLAU TYPE; GRANULOMATOUS INFLAMMATORY ARTHRITIS, DERMATITIS, AND UVEITIS, FAMILIAL; JABS SYNDROME; ARTHROCUTANEOUVEAL GRANULOMATOSIS. Identifiers: Orphanet 90340, MedGen C5201146, MONDO:0008523, OMIM 186580.

Allele frequency attached by ClinVar (database versions not stated): TOPMed 0.00001.
gnomAD v4.1: 4 of 1,614,026 alleles (0.00025%); highest among the groups gnomAD compares: Admixed American, 0.0017%; no homozygotes.

Submission:

Labcorp Genetics (formerly Invitae), Labcorp
Classification: Uncertain significance for Regional enteritis; Blau syndrome. Last evaluated: 2021-11-05. Review status: criteria provided, single submitter. Criteria: Invitae Variant Classification Sherloc (09022015). Collection method: clinical testing. Allele origin: germline.
Comment: This variant has not been reported in the literature in individuals affected with NOD2-related conditions. Advanced modeling of protein sequence and biophysical properties (such as structural, functional, and spatial information, amino acid conservation, physicochemical variation, residue mobility, and thermodynamic stability) performed at Invitae indicates that this missense variant is not expected to disrupt NOD2 protein function. This variant is not present in population databases (gnomAD no frequency). In summary, the available evidence is currently insufficient to determine the role of this variant in disease. Therefore, it has been classified as a Variant of Uncertain Significance. This sequence change replaces glycine, which is neutral and non-polar, with alanine, which is neutral and non-polar, at codon 48 of the NOD2 protein (p.Gly48Ala).

NM_001370466.1(NOD2):c.62G>C (p.Gly21Ala)

Gene: NOD2 (nucleotide binding oligomerization domain containing 2; plus strand). Cytogenetic location: 16q12.1.
Variant type: single nucleotide variant.
Coding change: c.62G>C on transcript NM_001370466.1 (MANE Select); coding-DNA position 62, G replaced by C.
Protein change: p.Gly21Ala; replaces glycine 21 with alanine.
Molecular consequence: missense variant. On other transcripts: non-coding transcript variant (1).
Genome position (GRCh38, 1-based): chr16:50,699,557, G>C. VCF-style: chr16-50699557-G-C. GRCh37 (hg19) VCF-style: chr16-50733468-G-C.
Other names: c.62G>C, p.Gly21Ala (NM_001293557.2); c.143G>C, p.Gly48Ala (NM_022162.3); short protein forms G21A, G48A.
Identifiers: ClinVar variation 1500548 (VCV001500548.6), dbSNP rs758548184, ClinGen allele CA281250013.